The following is an entry in ClinVar:

ClinVar aggregate classification (germline): Uncertain significance (1 of 4 stars; one submission).

Submission:

GeneDx
Classification: Uncertain significance. Last evaluated: 2023-04-18. Review status: criteria provided, single submitter. Criteria: GeneDx Variant Classification Process June 2021. Collection method: clinical testing. Allele origin: germline. Affected: yes.
Comment: Not observed at significant frequency in large population cohorts (gnomAD); In silico analysis supports that this missense variant does not alter protein structure/function; Has not been previously published as pathogenic or benign to our knowledge

NM_001042424.3(NSD2):c.908C>G (p.Thr303Arg)

Gene: NSD2 (nuclear receptor binding SET domain protein 2; plus strand). Cytogenetic location: 4p16.3.
Variant type: single nucleotide variant.
Coding change: c.908C>G on transcript NM_001042424.3 (MANE Select); coding-DNA position 908, C replaced by G.
Protein change: p.Thr303Arg; replaces threonine 303 with arginine.
Molecular consequence: missense variant.
Genome position (GRCh38, 1-based): chr4:1,917,018, C>G. VCF-style: chr4-1917018-C-G. GRCh37 (hg19) VCF-style: chr4-1918745-C-G.
Other names: c.908C>G, p.Thr303Arg (NM_007331.2, NM_133330.3, NM_133331.3 and 2 more transcripts); short protein forms T303R.
Identifiers: ClinVar variation 3253366 (VCV003253366.1), dbSNP rs2474331454.